The following is an entry in ClinVar:

NM_002185.5(IL7R):c.801-21A>T

Gene: IL7R (interleukin 7 receptor; plus strand). Cytogenetic location: 5p13.2.
Variant type: single nucleotide variant.
Coding change: c.801-21A>T on transcript NM_002185.5 (MANE Select); 21 bases into the intron before coding-DNA position 801, A replaced by T.
Molecular consequence: intron variant.
Genome position (GRCh38, 1-based): chr5:35,875,491, A>T. VCF-style: chr5-35875491-A-T. GRCh37 (hg19) VCF-style: chr5-35875593-A-T.
Identifiers: ClinVar variation 1165796 (VCV001165796.14), dbSNP rs987106, ClinGen allele CA3232127.

ClinVar aggregate classification (germline): Benign. Review status: criteria provided, multiple submitters, no conflicts (2 of 4 stars). 5 submissions from 5 submitters: Benign (5). Last evaluated 2026-01-26.

Conditions:
Immunodeficiency 104. Also called: Severe combined immunodeficiency, autosomal recessive, T cell-negative, B cell-positive, NK cell-positive; SCID, AUTOSOMAL RECESSIVE, T CELL-NEGATIVE, B CELL-POSITIVE, NK CELL-POSITIVE; Severe Combined Immune Deficiency, Autosomal Recessive, TCell -Negative, B Cell-Positive, NK Cell-Positive, IL7R-Related; IMMUNODEFICIENCY 104, SEVERE COMBINED. Identifiers: MedGen C5676890, MONDO:0012163, OMIM 608971.

Allele frequency attached by ClinVar (database versions not stated): 1000 Genomes Project 0.44988; 1000 Genomes Project 30x 0.45472; gnomAD exomes 0.48756 and 0.52088; ExAC 0.50012; TOPMed 0.50630; gnomAD 0.52266 and 0.53084; ESP Exome Variant Server 0.54513.

Submissions (5):

Labcorp Genetics (formerly Invitae), Labcorp
Classification: Benign for Immunodeficiency 104. Last evaluated: 2026-01-26. Review status: criteria provided, single submitter. Criteria: Invitae Variant Classification Sherloc (09022015). Collection method: clinical testing. Allele origin: germline.

Unidad de Genómica Garrahan, Hospital de Pediatría Garrahan
Classification: Benign. Last evaluated: 2024-01-24. Review status: criteria provided, single submitter. Criteria: ACMG Guidelines, 2015. Collection method: clinical testing. Allele origin: germline. Affected: no. Observed: 60 variant alleles.
Comment: This variant is classified as Benign based on local population frequency. This variant was detected in 63% of patients studied by a panel of primary immunodeficiencies. Number of patients: 60. Only high quality variants are reported.

Genome-Nilou Lab
Classification: Benign for Immunodeficiency 104. Last evaluated: 2021-08-19. Review status: criteria provided, single submitter. Criteria: ACMG Guidelines, 2015. Collection method: clinical testing. Allele origin: germline. Affected: no.

GeneDx
Classification: Benign. Last evaluated: 2015-03-03. Review status: criteria provided, single submitter. Criteria: GeneDx Variant Classification Process June 2021. Collection method: clinical testing. Allele origin: germline. Affected: yes.
Comment: This variant is associated with the following publications: (PMID: 19523791, 17660816, 15674389)

Breakthrough Genomics
Classification: Benign. Review status: criteria provided, single submitter. Criteria: ACMG Guidelines, 2015. Collection method: not provided. Allele origin: germline. Inheritance: Autosomal recessive inheritance. Affected: yes.